The following is an entry in ClinVar:

NM_007194.4(CHEK2):c.444G>A (p.Arg148=)

Gene: CHEK2 (checkpoint kinase 2; minus strand). Cytogenetic location: 22q12.1.
Variant type: single nucleotide variant.
Coding change: c.444G>A on transcript NM_007194.4 (MANE Select); coding-DNA position 444, G replaced by A.
Protein change: p.Arg148=; no amino-acid change (arginine 148 retained).
Molecular consequence: synonymous variant.
Genome position (GRCh38, 1-based): chr22:28,725,243, C>T on the plus strand (G>A on the coding strand, the complement: CHEK2 is on the minus strand). VCF-style: chr22-28725243-C-T. GRCh37 (hg19) VCF-style: chr22-29121231-C-T.
Other names: c.573G>A, p.Arg191= (NM_001005735.3); c.-334G>A (NM_001257387.3); c.444G>A, p.Arg148= (NM_001349956.3, NM_145862.3); c.444G>A (NM_007194.3).
Identifiers: ClinVar variation 1005119 (VCV001005119.9), dbSNP rs1298109942, ClinGen allele CA514168955.

ClinVar aggregate classification (germline): Uncertain significance. Review status: criteria provided, multiple submitters, no conflicts (2 of 4 stars). 3 submissions from 3 submitters: Uncertain significance (3). Last evaluated 2025-07-09.

Conditions:
Hereditary cancer-predisposing syndrome. Also called: Hereditary neoplastic syndrome; Neoplastic Syndromes, Hereditary; Tumor predisposition; Hereditary Cancer Syndrome. Identifiers: Orphanet 140162, MedGen C0027672, MeSH D009386, MONDO:0015356.
Familial cancer of breast. Also called: Hereditary breast cancer; hereditary breast carcinoma; BREAST CANCER, FAMILIAL. Identifiers: Orphanet 227535, MedGen C0346153, MONDO:0016419, OMIM 114480. Disease mechanism: loss of function.

Submissions (3):

Ambry Genetics
Classification: Uncertain significance for Hereditary cancer-predisposing syndrome. Last evaluated: 2025-07-09. Review status: criteria provided, single submitter. Criteria: Ambry Variant Classification Scheme 2023. Collection method: clinical testing. Allele origin: germline.
Comment: The c.444G>A variant (also known as p.R148R), located in coding exon 2 of the CHEK2 gene, results from a G to A substitution at nucleotide position 444. This nucleotide substitution does not change the amino acid at codon 148. However, this change occurs in the last base pair of coding exon 2, which makes it likely to have some effect on normal mRNA splicing. This nucleotide position is not well conserved in available vertebrate species. In silico splice site analysis predicts that this alteration will result in the creation or strengthening of a novel splice donor site. Based on the available evidence, the clinical significance of this variant remains unclear.

Baylor Genetics
Classification: Uncertain significance for Familial cancer of breast. Last evaluated: 2023-09-20. Review status: criteria provided, single submitter. Criteria: ACMG Guidelines, 2015. Collection method: clinical testing. Allele origin: unknown.

Labcorp Genetics (formerly Invitae), Labcorp
Classification: Uncertain significance for Familial cancer of breast. Last evaluated: 2020-10-19. Review status: criteria provided, single submitter. Criteria: Invitae Variant Classification Sherloc (09022015). Collection method: clinical testing. Allele origin: germline.
Comment: This variant is not present in population databases (ExAC no frequency). This sequence change affects codon 148 of the CHEK2 mRNA. It is a 'silent' change, meaning that it does not change the encoded amino acid sequence of the CHEK2 protein. This variant also falls at the last nucleotide of exon 3, which is part of the consensus splice site for this exon. This variant has not been reported in the literature in individuals with CHEK2-related conditions. Nucleotide substitutions within the consensus splice site are a relatively common cause of aberrant splicing (PMID: 17576681, 9536098). Algorithms developed to predict the effect of sequence changes on RNA splicing suggest that this variant may disrupt the consensus splice site, but this prediction has not been confirmed by published transcriptional studies. In summary, the available evidence is currently insufficient to determine the role of this variant in disease. Therefore, it has been classified as a Variant of Uncertain Significance.

Literature cited by the submitters: PubMed 17576681 (cited by Labcorp Genetics (formerly Invitae), Labcorp); PubMed 9536098 (cited by Labcorp Genetics (formerly Invitae), Labcorp).